The following is an entry in ClinVar:

NM_000214.3(JAG1):c.848T>C (p.Leu283Pro)

Gene: JAG1 (jagged canonical Notch ligand 1; minus strand). Cytogenetic location: 20p12.2.
Variant type: single nucleotide variant.
Coding change: c.848T>C on transcript NM_000214.3 (MANE Select); coding-DNA position 848, T replaced by C.
Protein change: p.Leu283Pro; replaces leucine 283 with proline.
Molecular consequence: missense variant.
Genome position (GRCh38, 1-based): chr20:10,652,506, A>G on the plus strand (T>C on the coding strand, the complement: JAG1 is on the minus strand). VCF-style: chr20-10652506-A-G. GRCh37 (hg19) VCF-style: chr20-10633154-A-G.
Other names: short protein forms L283P.
Identifiers: ClinVar variation 3573136 (VCV003573136.2).
Genomic context (GRCh38, chr20:10,652,506, plus strand): 5'-GTCTCATCCCTAAGGGCCATACCTTTGTCACAGAGCTGGCCGCCCCAGTTGGTCTCACAG[A>G]GGCACTGCCAGGGCTCATTACAGATGCCGTGGACGCATCCCGGGTGTGGGATGCACTTAT-3'
Protein context (NP_000205.1, residues 273-293): HGICNEPWQC[Leu283Pro]CETNWGGQLC

Conditions:
Arteriohepatic dysplasia. Also called: Alagille Syndrome. Identifiers: Orphanet 52, MedGen C0085280, MeSH D016738, MONDO:0007318.

Submission:

Gilbert/Spinner Lab, Children's Hospital of Philadelphia
No classification provided (evidence only). Condition: Alagille syndrome. Review status: no classification provided. Collection method: research. Allele origin: not applicable. Functional consequence: functionally_abnormal.
ClinVar note: "not provided" was previously submitted as the classification for the variant. However, the classification appeared to be based only on an observation of functional data so it was converted to no classification on 2025-07-30.